The following is an entry in ClinVar:

ClinVar aggregate classification (germline): Pathogenic (1 of 4 stars; one submission).

Allele frequency attached by ClinVar (database versions not stated): TOPMed below 0.00001.

Submission:

Labcorp Genetics (formerly Invitae), Labcorp
Classification: Pathogenic. Last evaluated: 2022-12-14. Review status: criteria provided, single submitter. Criteria: Invitae Variant Classification Sherloc (09022015). Collection method: clinical testing. Allele origin: germline.
Comment: This sequence change creates a premature translational stop signal (p.Gln64*) in the COL9A1 gene. It is expected to result in an absent or disrupted protein product. Loss-of-function variants in COL9A1 are known to be pathogenic (PMID: 16909383, 21421862). This variant is not present in population databases (gnomAD no frequency). This variant has not been reported in the literature in individuals affected with COL9A1-related conditions. Algorithms developed to predict the effect of sequence changes on RNA splicing suggest that this variant may disrupt the consensus splice site. For these reasons, this variant has been classified as Pathogenic.

Literature cited by the submitters: PubMed 16909383; PubMed 21421862.

NM_001851.6(COL9A1):c.190C>T (p.Gln64Ter)

Gene: COL9A1 (collagen type IX alpha 1 chain; minus strand). Cytogenetic location: 6q13.
Variant type: single nucleotide variant.
Coding change: c.190C>T on transcript NM_001851.6 (MANE Select); coding-DNA position 190, C replaced by T.
Protein change: p.Gln64Ter; replaces glutamine 64 with a stop codon.
Molecular consequence: nonsense.
Genome position (GRCh38, 1-based): chr6:70,300,152, G>A on the plus strand (C>T on the coding strand, the complement: COL9A1 is on the minus strand). VCF-style: chr6-70300152-G-A. GRCh37 (hg19) VCF-style: chr6-71009855-G-A.
Other names: c.190C>T, p.Gln64Ter (NM_001377291.1); short protein forms Q64*.
Identifiers: ClinVar variation 2820740 (VCV002820740.3), dbSNP rs1774006330, ClinGen allele CA364674689.
Genomic context (GRCh38, chr6:70,300,152, plus strand): 5'-GCAATGTAGCTGATCCCACTACTCTCTGGATAGCTCTTCTAGATGCTGCTTTATCTACCT[G>A]GAACTGAGAGATCAGATCAAACCCTATAGAATGGGAATACAAAATGAAAAGTCTAAAATG-3'